The following is an entry in ClinVar:

NM_006767.4(LZTR1):c.1009G>A (p.Val337Met)

Gene: LZTR1 (leucine zipper like post translational regulator 1; plus strand). Cytogenetic location: 22q11.21.
Variant type: single nucleotide variant.
Coding change: c.1009G>A on transcript NM_006767.4 (MANE Select); coding-DNA position 1009, G replaced by A.
Protein change: p.Val337Met; replaces valine 337 with methionine.
Molecular consequence: missense variant.
Genome position (GRCh38, 1-based): chr22:20,992,229, G>A. VCF-style: chr22-20992229-G-A. GRCh37 (hg19) VCF-style: chr22-21346518-G-A.
Other names: c.1009G>A (NM_006767.3); short protein forms V337M.
Identifiers: ClinVar variation 1445132 (VCV001445132.8), dbSNP rs2147965382, ClinGen allele CA410781759.
Genomic context (GRCh38, chr22:20,992,229, plus strand): 5'-GGCCCTTGCCAACTGGTCTCATGCCCATGTGTCTCCCCTCTTCAGGTTGGTGGGGCTGAA[G>A]TGCCCGAGCGAGCCTGTGCTTCCGAGGAGGTGCCCACCCTGACCTATGAGGAGCGGGTTG-3'
Protein context (NP_006758.2, residues 327-347): SSDSEVGGAE[Val337Met]PERACASEEV

ClinVar aggregate classification (germline): Uncertain significance. Review status: criteria provided, multiple submitters, no conflicts (2 of 4 stars). 2 submissions from 2 submitters: Uncertain significance (2). Last evaluated 2026-08-03.

Conditions:
Cardiovascular phenotype. Identifiers: MedGen CN230736.
Hereditary cancer-predisposing syndrome. Also called: Hereditary Cancer Syndrome; Tumor predisposition; Neoplastic Syndromes, Hereditary; Hereditary neoplastic syndrome. Identifiers: Orphanet 140162, MedGen C0027672, MeSH D009386, MONDO:0015356.

gnomAD v4.1: 2 of 1,613,660 alleles (0.00012%); highest among the groups gnomAD compares: South Asian, 0.0011%; no homozygotes.

Submissions (2):

Ambry Genetics
Classification: Uncertain significance for Cardiovascular phenotype; Hereditary cancer-predisposing syndrome. Last evaluated: 2026-08-03. Review status: criteria provided, single submitter. Criteria: Ambry Variant Classification Scheme 2023. Collection method: clinical testing. Allele origin: germline.
Comment: The p.V337M variant (also known as c.1009G>A), located in coding exon 10 of the LZTR1 gene, results from a G to A substitution at nucleotide position 1009. The valine at codon 337 is replaced by methionine, an amino acid with highly similar properties. This amino acid position is conserved. In addition, this alteration is predicted to be tolerated by in silico analysis. Based on the available evidence, the clinical significance of this variant remains unclear.

Labcorp Genetics (formerly Invitae), Labcorp
Classification: Uncertain significance. Last evaluated: 2025-08-07. Review status: criteria provided, single submitter. Criteria: Invitae Variant Classification Sherloc (09022015). Collection method: clinical testing. Allele origin: germline.
Comment: This sequence change replaces valine, which is neutral and non-polar, with methionine, which is neutral and non-polar, at codon 337 of the LZTR1 protein (p.Val337Met). This variant is not present in population databases (gnomAD no frequency). This variant has not been reported in the literature in individuals affected with LZTR1-related conditions. ClinVar contains an entry for this variant (Variation ID: 1445132). Invitae Evidence Modeling of protein sequence and biophysical properties (such as structural, functional, and spatial information, amino acid conservation, physicochemical variation, residue mobility, and thermodynamic stability) indicates that this missense variant is not expected to disrupt LZTR1 protein function with a negative predictive value of 80%. In summary, the available evidence is currently insufficient to determine the role of this variant in disease. Therefore, it has been classified as a Variant of Uncertain Significance.